The following is an entry in ClinVar:

NM_006031.6(PCNT):c.8160G>C (p.Lys2720Asn)

Gene: PCNT (pericentrin; plus strand). Cytogenetic location: 21q22.3.
Variant type: single nucleotide variant.
Coding change: c.8160G>C on transcript NM_006031.6 (MANE Select); coding-DNA position 8160, G replaced by C.
Protein change: p.Lys2720Asn; replaces lysine 2720 with asparagine.
Molecular consequence: missense variant.
Genome position (GRCh38, 1-based): chr21:46,431,624, G>C. VCF-style: chr21-46431624-G-C. GRCh37 (hg19) VCF-style: chr21-47851538-G-C.
Other names: c.7806G>C, p.Lys2602Asn (NM_001315529.2); short protein forms K2602N, K2720N.
Identifiers: ClinVar variation 4977158 (VCV004977158.1).

ClinVar aggregate classification (germline): Uncertain significance (1 of 4 stars; one submission).

Conditions:
PCNT-related disorder. Also called: PCNT-related condition.

gnomAD v4.1: 1 of 1,614,032 alleles (0.000062%); highest among the groups gnomAD compares: Non-Finnish European, 0.000085%; no homozygotes.

Submission:

PreventionGenetics, part of Exact Sciences
Classification: Uncertain significance for PCNT-related condition. Last evaluated: 2025-11-14. Review status: criteria provided, single submitter. Criteria: ACMG Guidelines, 2015. Collection method: clinical testing. Allele origin: germline.
Comment: The PCNT c.8160G>C variant is predicted to result in the amino acid substitution p.Lys2720Asn. To our knowledge, this variant has not been reported in the literature or in a large population database (gnomAD), indicating this variant is rare. At this time, the clinical significance of this variant is uncertain due to the absence of conclusive functional and genetic evidence.